The following is an entry in ClinVar:

NM_004273.5(CHST3):c.538A>T (p.Asn180Tyr)

Gene: CHST3 (carbohydrate sulfotransferase 3; plus strand). Cytogenetic location: 10q22.1.
Variant type: single nucleotide variant.
Coding change: c.538A>T on transcript NM_004273.5 (MANE Select); coding-DNA position 538, A replaced by T.
Protein change: p.Asn180Tyr; replaces asparagine 180 with tyrosine.
Molecular consequence: missense variant.
Genome position (GRCh38, 1-based): chr10:72,007,569, A>T. VCF-style: chr10-72007569-A-T. GRCh37 (hg19) VCF-style: chr10-73767327-A-T.
Other names: short protein forms N180Y.
Identifiers: ClinVar variation 1463708 (VCV001463708.6), dbSNP rs1249561246, ClinGen allele CA377144478.

ClinVar aggregate classification (germline): Uncertain significance (1 of 4 stars; one submission).

Conditions:
Spondyloepiphyseal dysplasia with congenital joint dislocations (SEDCJD). Also called: Chondrodysplasia with Congenital Joint Dislocations, CHST3-Related. Identifiers: Orphanet 263463, MedGen C1837657, MONDO:0007738, OMIM 143095.

Allele frequency attached by ClinVar (database versions not stated): gnomAD 0.00001.
gnomAD v4.1: 1 of 1,607,812 alleles (0.000062%); highest among the groups gnomAD compares: African/African-American, 0.0013%; no homozygotes.

Submission:

Labcorp Genetics (formerly Invitae), Labcorp
Classification: Uncertain significance for Spondyloepiphyseal dysplasia with congenital joint dislocations. Last evaluated: 2022-02-02. Review status: criteria provided, single submitter. Criteria: Invitae Variant Classification Sherloc (09022015). Collection method: clinical testing. Allele origin: germline.
Comment: This variant is present in population databases (no rsID available, gnomAD 0.01%). This variant has not been reported in the literature in individuals affected with CHST3-related conditions. This sequence change replaces asparagine, which is neutral and polar, with tyrosine, which is neutral and polar, at codon 180 of the CHST3 protein (p.Asn180Tyr). Algorithms developed to predict the effect of missense changes on protein structure and function are either unavailable or do not agree on the potential impact of this missense change (SIFT: "Deleterious"; PolyPhen-2: "Benign"; Align-GVGD: "Class C15"). In summary, the available evidence is currently insufficient to determine the role of this variant in disease. Therefore, it has been classified as a Variant of Uncertain Significance.